The following is an entry in ClinVar:

NM_153704.6(TMEM67):c.778del (p.Tyr260fs)

Gene: TMEM67 (transmembrane protein 67; plus strand). Cytogenetic location: 8q22.1.
Variant type: Deletion.
Coding change: c.778del on transcript NM_153704.6 (MANE Select); coding-DNA position 778, one base deleted (T; older notation c.778delT).
Protein change: p.Tyr260fs; shifts the reading frame from tyrosine 260.
Molecular consequence: frameshift variant. On other transcripts: non-coding transcript variant (1).
Genome position (GRCh38, 1-based): chr8:93,780,656, T deleted; the last of 2 consecutive T bases (chr8:93,780,655-93,780,656); deleting either gives the same sequence. VCF-style (leftmost placement, unchanged base first): chr8-93780654-CT-C. GRCh37 (hg19) VCF-style: chr8-94792882-CT-C.
Other names: c.535del, p.Tyr179fs (NM_001142301.1); short protein forms Y260fs, Y179fs.
Identifiers: ClinVar variation 4793017 (VCV004793017.2).
Genomic context (GRCh38, chr8:93,780,654, plus strand): 5'-TATATGCCAATCTAACATCTTGTCAAGCTCTTGGAAATATGTGTGTGATGAACATGAATT[CT>C]TACGACTTTGCCACATTTGATGCATGTGGACTATTTCAGTTTATCTTTGAAAATACTGCT-3'

ClinVar aggregate classification (germline): Pathogenic/Likely pathogenic. Review status: criteria provided, multiple submitters, no conflicts (2 of 4 stars). 2 submissions from 2 submitters: Pathogenic (1); Likely pathogenic (1). Last evaluated 2025-09-22.

Conditions:
Meckel-Gruber syndrome. Also called: DYSENCEPHALIA SPLANCHNOCYSTICA; GRUBER SYNDROME; Dysencephalia splachnocystica. Identifiers: Orphanet 564, MedGen C0265215, MONDO:0018921.
Joubert syndrome. Also called: Familial aplasia of the vermis; JOUBERT-BOLTSHAUSER SYNDROME. Identifiers: Orphanet 475, MedGen C5979921, MONDO:0018772.
TMEM67-related disorder. Also called: TMEM67-related condition; TMEM67-related disorders. Identifiers: MedGen CN239423.

Submissions (2):

Labcorp Genetics (formerly Invitae), Labcorp
Classification: Pathogenic for Joubert syndrome; Meckel-Gruber syndrome. Last evaluated: 2025-09-22. Review status: criteria provided, single submitter. Criteria: Invitae Variant Classification Sherloc (09022015). Collection method: clinical testing. Allele origin: germline.
Comment: This sequence change creates a premature translational stop signal (p.Tyr260Thrfs*22) in the TMEM67 gene. It is expected to result in an absent or disrupted protein product. Loss-of-function variants in TMEM67 are known to be pathogenic (PMID: 20232449, 23559409). This variant is not present in population databases (gnomAD no frequency). This variant has not been reported in the literature in individuals affected with TMEM67-related conditions. For these reasons, this variant has been classified as Pathogenic.

Blueprint Genetics
Classification: Likely pathogenic for TMEM67-related disorders. Last evaluated: 2023-04-24. Review status: criteria provided, single submitter. Criteria: ACMG Guidelines, 2015. Collection method: clinical testing. Allele origin: germline. Affected: yes. Observed: 1 variant allele.

Literature cited by the submitters: PubMed 20232449 (cited by Labcorp Genetics (formerly Invitae), Labcorp); PubMed 23559409 (cited by Labcorp Genetics (formerly Invitae), Labcorp).